The following is an entry in ClinVar:

NM_000465.4(BARD1):c.1202G>C (p.Ser401Thr)

Gene: BARD1 (BRCA1 associated RING domain 1; minus strand). Cytogenetic location: 2q35.
Variant type: single nucleotide variant.
Coding change: c.1202G>C on transcript NM_000465.4 (MANE Select); coding-DNA position 1202, G replaced by C.
Protein change: p.Ser401Thr; replaces serine 401 with threonine.
Molecular consequence: missense variant. On other transcripts: non-coding transcript variant (2), intron variant (3).
Genome position (GRCh38, 1-based): chr2:214,780,672, C>G on the plus strand (G>C on the coding strand, the complement: BARD1 is on the minus strand). VCF-style: chr2-214780672-C-G. GRCh37 (hg19) VCF-style: chr2-215645396-C-G.
Other names: c.1145G>C, p.Ser382Thr (NM_001282543.2); c.159-28117G>C (NM_001282548.2); c.215+16389G>C (NM_001282545.2); c.364+11625G>C (NM_001282549.2); c.1202G>C (NM_000465.2); short protein forms S401T, S382T.
Identifiers: ClinVar variation 2808140 (VCV002808140.3), dbSNP rs2106108128, ClinGen allele CA350453749.
Genomic context (GRCh38, chr2:214,780,672, plus strand): 5'-GCCATATTGGGCAACAGCTTCATTGCTGAGGGACTAGACATCACTCGCCTGTAACTTGAA[C>G]TACTTAATGTAGAAGGTGGTGTACCTGGTGAAAGACTAATGAATTCATCGGACATGTTAC-3'
Protein context (NP_000456.2, residues 391-411): SPGTPPSTLS[Ser401Thr]SSYRRVMSSP

ClinVar aggregate classification (germline): Uncertain significance. Review status: criteria provided, multiple submitters, no conflicts (2 of 4 stars). 2 submissions from 2 submitters: Uncertain significance (2). Last evaluated 2024-08-20.

Conditions:
Familial cancer of breast. Also called: BREAST CANCER, FAMILIAL; hereditary breast carcinoma; Hereditary breast cancer. Identifiers: Orphanet 227535, MedGen C0346153, MONDO:0016419, OMIM 114480. Disease mechanism: loss of function.

Submissions (2):

GeneDx
Classification: Uncertain significance. Last evaluated: 2024-08-20. Review status: criteria provided, single submitter. Criteria: GeneDx Variant Classification Process June 2021. Collection method: clinical testing. Allele origin: germline. Affected: yes.
Comment: Not observed at significant frequency in large population cohorts (gnomAD); In silico analysis indicates that this missense variant does not alter protein structure/function; Has not been previously published as pathogenic or benign to our knowledge

Labcorp Genetics (formerly Invitae), Labcorp
Classification: Uncertain significance for Familial cancer of breast. Last evaluated: 2022-11-23. Review status: criteria provided, single submitter. Criteria: Invitae Variant Classification Sherloc (09022015). Collection method: clinical testing. Allele origin: germline.
Comment: In summary, the available evidence is currently insufficient to determine the role of this variant in disease. Therefore, it has been classified as a Variant of Uncertain Significance. Algorithms developed to predict the effect of missense changes on protein structure and function output the following: SIFT: "Tolerated"; PolyPhen-2: "Benign"; Align-GVGD: "Class C0". The threonine amino acid residue is found in multiple mammalian species, which suggests that this missense change does not adversely affect protein function. This variant has not been reported in the literature in individuals affected with BARD1-related conditions. This variant is not present in population databases (gnomAD no frequency). This sequence change replaces serine, which is neutral and polar, with threonine, which is neutral and polar, at codon 401 of the BARD1 protein (p.Ser401Thr).